The following is an entry in ClinVar:

NM_006453.3(TBL3):c.703G>A (p.Val235Met)

Gene: TBL3 (transducin beta like 3; plus strand). Cytogenetic location: 16p13.3.
Variant type: single nucleotide variant.
Coding change: c.703G>A on transcript NM_006453.3 (MANE Select); coding-DNA position 703, G replaced by A.
Protein change: p.Val235Met; replaces valine 235 with methionine.
Molecular consequence: missense variant.
Genome position (GRCh38, 1-based): chr16:1,975,254, G>A. VCF-style: chr16-1975254-G-A. GRCh37 (hg19) VCF-style: chr16-2025255-G-A.
Other names: short protein forms V235M.
Identifiers: ClinVar variation 2645957 (VCV002645957.24), dbSNP rs35265313, ClinGen allele CA7824688.

ClinVar aggregate classification (germline): Likely benign (1 of 4 stars; one submission).

Allele frequency attached by ClinVar (database versions not stated): 1000 Genomes Project 0.00200; ExAC 0.00219; gnomAD 0.00226; 1000 Genomes Project 30x 0.00234; ESP Exome Variant Server 0.00262; gnomAD exomes 0.00296.
gnomAD v4.1: 4,697 of 1,614,012 alleles (0.29%); highest among the groups gnomAD compares: Admixed American, 0.44%; 15 homozygotes.

Submission:

CeGaT Center for Human Genetics Tuebingen
Classification: Likely benign. Last evaluated: 2022-12-01. Review status: criteria provided, single submitter. Criteria: CeGaT Center For Human Genetics Tuebingen Variant Classification Criteria Version 2. Collection method: clinical testing. Allele origin: germline. Affected: yes. Observed: 1 variant allele.
Comment: TBL3: BP4, BS2